The following is an entry in ClinVar:

NM_013372.7(GREM1):c.*9C>G

Gene: GREM1 (gremlin 1, DAN family BMP antagonist; plus strand). Cytogenetic location: 15q13.3.
Variant type: single nucleotide variant.
Coding change: c.*9C>G on transcript NM_013372.7 (MANE Select); 9 bases downstream of the stop codon, C replaced by G.
Molecular consequence: 3 prime UTR variant.
Genome position (GRCh38, 1-based): chr15:32,731,254, C>G. VCF-style: chr15-32731254-C-G. GRCh37 (hg19) VCF-style: chr15-33023455-C-G.
Other names: c.*9C>G (NM_001191322.2, NM_001191323.2, NM_001368719.1).
Identifiers: ClinVar variation 3041499 (VCV003041499.2), dbSNP rs761180040, ClinGen allele CA2575663083.

ClinVar aggregate classification (germline): Likely benign (0 of 4 stars; one submission).

Conditions:
GREM1-related disorder. Also called: GREM1-related condition.

Submission:

PreventionGenetics, part of Exact Sciences
Classification: Likely benign for GREM1-related condition. Last evaluated: 2020-08-25. Review status: no assertion criteria provided. Collection method: clinical testing. Allele origin: germline.
Comment: This variant is classified as likely benign based on ACMG/AMP sequence variant interpretation guidelines (Richards et al. 2015 PMID: 25741868, with internal and published modifications).